The following is an entry in ClinVar:

NM_000152.5(GAA):c.1651_1656del (p.Thr551_Leu552del)

Gene: GAA (alpha glucosidase; plus strand). Cytogenetic location: 17q25.3.
Variant type: Deletion.
Coding change: c.1651_1656del on transcript NM_000152.5 (MANE Select); coding-DNA positions 1651 to 1656, 6 bases deleted (ACCCTC; older notation c.1651_1656delACCCTC).
Protein change: p.Thr551_Leu552del.
Molecular consequence: inframe deletion.
Genome position (GRCh38, 1-based): chr17:80,111,997-80,112,002, ACCCTC deleted. VCF-style (leftmost placement, unchanged base first): chr17-80111996-GACCCTC-G. GRCh37 (hg19) VCF-style: chr17-78085795-GACCCTC-G.
Other names: c.1651_1656del, p.Thr551_Leu552del (NM_001079803.3, NM_001079804.3, NM_001406741.1 and 1 more transcripts).
Identifiers: ClinVar variation 2755185 (VCV002755185.3), dbSNP rs2510378477, ClinGen allele CA2697555230.

ClinVar aggregate classification (germline): Pathogenic (1 of 4 stars; one submission).

Conditions:
Glycogen storage disease, type II (IOPD). Also called: Glycogen storage disease type 2; Acid maltase deficiency disease; Aglucosidase alfa; Deficiency of alpha-glucosidase; Deficiency of lysosomal alpha-glucosidase; Glucosidase acid-1,4-alpha deficiency. Identifiers: Orphanet 365, MedGen C0017921, MONDO:0009290, OMIM 232300.

Submission:

Labcorp Genetics (formerly Invitae), Labcorp
Classification: Pathogenic for Glycogen storage disease, type II. Last evaluated: 2023-08-25. Review status: criteria provided, single submitter. Criteria: Invitae Variant Classification Sherloc (09022015). Collection method: clinical testing. Allele origin: germline.
Comment: This variant, c.1651_1656del, results in the deletion of 2 amino acid(s) of the GAA protein (p.Thr551_Leu552del), but otherwise preserves the integrity of the reading frame. This variant is not present in population databases (gnomAD no frequency). This variant has not been reported in the literature in individuals affected with GAA-related conditions. This variant disrupts a region of the GAA protein in which other variant(s) (p.Leu552Pro) have been determined to be pathogenic (PMID: 14695532, 17616415, 18607768, 19588081, 20638881). This suggests that this is a clinically significant region of the protein, and that variants that disrupt it are likely to be disease-causing. For these reasons, this variant has been classified as Pathogenic.

Literature cited by the submitters: PubMed 14695532; PubMed 17616415; PubMed 18607768; PubMed 19588081; PubMed 20638881.